The following is an entry in ClinVar:

NM_001365536.1(SCN9A):c.380T>C (p.Leu127Ser)

Gene: SCN9A (sodium voltage-gated channel alpha subunit 9; minus strand). Cytogenetic location: 2q24.3.
Variant type: single nucleotide variant.
Coding change: c.380T>C on transcript NM_001365536.1 (MANE Select); coding-DNA position 380, T replaced by C.
Protein change: p.Leu127Ser; replaces leucine 127 with serine.
Molecular consequence: missense variant.
Genome position (GRCh38, 1-based): chr2:166,306,597, A>G on the plus strand (T>C on the coding strand, the complement: SCN9A is on the minus strand). VCF-style: chr2-166306597-A-G. GRCh37 (hg19) VCF-style: chr2-167163107-A-G.
Other names: c.380T>C, p.Leu127Ser (NM_002977.4); short protein forms L127S.
Identifiers: ClinVar variation 3755537 (VCV003755537.2).
Genomic context (GRCh38, chr2:166,306,597, plus strand): 5'-TTATTCATGGTCATAAATATGCAGTTTGTCAGAATAGTGCACATGATGAGCATGCTGAAT[A>G]AGGTAGCTTAGAATCAAGGAACAAAAGAGACGACAGTGGGAATTTGAAATATTTGAGGAT-3'
Protein context (NP_001352465.1, residues 117-137): RISIKILVHS[Leu127Ser]FSMLIMCTIL

ClinVar aggregate classification (germline): Uncertain significance (1 of 4 stars; one submission).

Conditions:
Neuropathy, hereditary sensory and autonomic, type 2A (HSAN2A). Also called: MORVAN DISEASE; NEUROPATHY, CONGENITAL SENSORY; NEUROPATHY, HEREDITARY SENSORY RADICULAR, AUTOSOMAL RECESSIVE; NEUROPATHY, HEREDITARY SENSORY, TYPE IIA; NEUROPATHY, PROGRESSIVE SENSORY, OF CHILDREN; ACROOSTEOLYSIS, GIACCAI TYPE. Identifiers: Orphanet 970, MedGen C2752089, MONDO:0024309, OMIM 201300.
Generalized epilepsy with febrile seizures plus, type 7 (GEFSP7). Also called: GEFS+, TYPE 7. Identifiers: Orphanet 36387, MedGen C2751778, MONDO:0013470, OMIM 613863.

Submission:

Labcorp Genetics (formerly Invitae), Labcorp
Classification: Uncertain significance for Neuropathy, hereditary sensory and autonomic, type 2A; Generalized epilepsy with febrile seizures plus, type 7. Last evaluated: 2024-03-27. Review status: criteria provided, single submitter. Criteria: Invitae Variant Classification Sherloc (09022015). Collection method: clinical testing. Allele origin: germline.
Comment: This sequence change replaces leucine, which is neutral and non-polar, with serine, which is neutral and polar, at codon 127 of the SCN9A protein (p.Leu127Ser). This variant is not present in population databases (gnomAD no frequency). This variant has not been reported in the literature in individuals affected with SCN9A-related conditions. An algorithm developed to predict the effect of missense changes on protein structure and function (PolyPhen-2) suggests that this variant is likely to be tolerated. In summary, the available evidence is currently insufficient to determine the role of this variant in disease. Therefore, it has been classified as a Variant of Uncertain Significance.